The following is an entry in ClinVar:

NM_002024.6(FMR1):c.990+1G>T

Gene: FMR1 (fragile X messenger ribonucleoprotein 1; plus strand). Cytogenetic location: Xq27.3.
Variant type: single nucleotide variant.
Coding change: c.990+1G>T on transcript NM_002024.6 (MANE Select); the canonical splice donor site of the intron after coding-DNA position 990, G replaced by T.
Molecular consequence: splice donor variant.
Genome position (GRCh38, 1-based): chrX:147,936,614, G>T. VCF-style: chrX-147936614-G-T. GRCh37 (hg19) VCF-style: chrX-147018133-G-T.
Other names: c.990+1G>T (NM_001185075.2, NM_001185076.2, NM_001185082.2 and 1 more transcripts).
Identifiers: ClinVar variation 2504902 (VCV002504902.1), dbSNP rs886041089, ClinGen allele CA414441846.

ClinVar aggregate classification (germline): Pathogenic (1 of 4 stars; one submission).

Submission:

GeneDx
Classification: Pathogenic. Last evaluated: 2022-12-06. Review status: criteria provided, single submitter. Criteria: GeneDx Variant Classification Process June 2021. Collection method: clinical testing. Allele origin: germline. Affected: yes.
Comment: Canonical splice site variant predicted to result in a null allele in a gene for which loss of function is a known mechanism of disease; Not observed at significant frequency in large population cohorts (gnomAD); Has not been previously published as pathogenic or benign to our knowledge